The following is an entry in ClinVar:

ClinVar aggregate classification (germline): Uncertain significance (1 of 4 stars; one submission).

gnomAD v4.1: 5 of 1,317,884 alleles (0.00038%); highest among the groups gnomAD compares: Non-Finnish European, 0.00048%; no homozygotes.

Submission:

Ambry Genetics
Classification: Uncertain significance. Last evaluated: 2024-08-10. Review status: criteria provided, single submitter. Criteria: Ambry Variant Classification Scheme 2023. Collection method: clinical testing. Allele origin: germline.
Comment: The p.R128P variant (also known as c.383G>C), located in coding exon 1 of the EGLN1 gene, results from a G to C substitution at nucleotide position 383. The arginine at codon 128 is replaced by proline, an amino acid with dissimilar properties. This amino acid position is conserved. In addition, this alteration is predicted to be tolerated by in silico analysis. Since supporting evidence is limited at this time, the clinical significance of this alteration remains unclear.

NM_022051.3(EGLN1):c.383G>C (p.Arg128Pro)

Gene: EGLN1 (egl-9 family hypoxia inducible factor 1; minus strand). Cytogenetic location: 1q42.2.
Variant type: single nucleotide variant.
Coding change: c.383G>C on transcript NM_022051.3 (MANE Select); coding-DNA position 383, G replaced by C.
Protein change: p.Arg128Pro; replaces arginine 128 with proline.
Molecular consequence: missense variant.
Genome position (GRCh38, 1-based): chr1:231,421,506, C>G on the plus strand (G>C on the coding strand, the complement: EGLN1 is on the minus strand). VCF-style: chr1-231421506-C-G. GRCh37 (hg19) VCF-style: chr1-231557252-C-G.
Other names: c.383G>C, p.Arg128Pro (NM_001377260.1, NM_001377261.1); short protein forms R128P.
Identifiers: ClinVar variation 1735422 (VCV001735422.3), dbSNP rs1293064107, ClinGen allele CA345237335.